The following is an entry in ClinVar:

NM_000152.5(GAA):c.1097A>C (p.Tyr366Ser)

Gene: GAA (alpha glucosidase; plus strand). Cytogenetic location: 17q25.3.
Variant type: single nucleotide variant.
Coding change: c.1097A>C on transcript NM_000152.5 (MANE Select); coding-DNA position 1097, A replaced by C.
Protein change: p.Tyr366Ser; replaces tyrosine 366 with serine.
Molecular consequence: missense variant.
Genome position (GRCh38, 1-based): chr17:80,108,510, A>C. VCF-style: chr17-80108510-A-C. GRCh37 (hg19) VCF-style: chr17-78082309-A-C.
Other names: c.1097A>C, p.Tyr366Ser (NM_001079803.3, NM_001079804.3); short protein forms Y366S.
Identifiers: ClinVar variation 1359350 (VCV001359350.5), dbSNP rs2143854757, ClinGen allele CA401364945.

ClinVar aggregate classification (germline): Uncertain significance (1 of 4 stars; one submission).

Conditions:
Glycogen storage disease, type II (IOPD). Also called: Glucosidase acid-1,4-alpha deficiency; Pompe Disease; POMPE DISEASE, INFANTILE-ONSET; GLYCOGEN STORAGE DISEASE II, INFANTILE-ONSET; ACID ALPHA-GLUCOSIDASE DEFICIENCY, INFANTILE-ONSET; GAA DEFICIENCY, INFANTILE-ONSET. Identifiers: Orphanet 365, MedGen C0017921, MONDO:0009290, OMIM 232300.

Submission:

Labcorp Genetics (formerly Invitae), Labcorp
Classification: Uncertain significance for Glycogen storage disease, type II. Last evaluated: 2022-08-05. Review status: criteria provided, single submitter. Criteria: Invitae Variant Classification Sherloc (09022015). Collection method: clinical testing. Allele origin: germline.
Comment: This sequence change replaces tyrosine, which is neutral and polar, with serine, which is neutral and polar, at codon 366 of the GAA protein (p.Tyr366Ser). This variant is not present in population databases (gnomAD no frequency). This variant has not been reported in the literature in individuals affected with GAA-related conditions. ClinVar contains an entry for this variant (Variation ID: 1359350). Advanced modeling of protein sequence and biophysical properties (such as structural, functional, and spatial information, amino acid conservation, physicochemical variation, residue mobility, and thermodynamic stability) performed at Invitae indicates that this missense variant is expected to disrupt GAA protein function. In summary, the available evidence is currently insufficient to determine the role of this variant in disease. Therefore, it has been classified as a Variant of Uncertain Significance.